The following is an entry in ClinVar:

ClinVar aggregate classification (germline): Uncertain significance (1 of 4 stars; one submission).

Conditions:
Neurofibromatosis, type 1 (NF1). Also called: VON RECKLINGHAUSEN DISEASE; NEUROFIBROMATOSIS, TYPE I, SOMATIC; Peripheral type neurofibromatosis; Neurofibromatosis, type I. Identifiers: Orphanet 636, MedGen C0027831, MONDO:0018975, OMIM 162200. Disease mechanism: loss of function.

Submission:

Labcorp Genetics (formerly Invitae), Labcorp
Classification: Uncertain significance for Neurofibromatosis, type 1. Last evaluated: 2019-06-18. Review status: criteria provided, single submitter. Criteria: Invitae Variant Classification Sherloc (09022015). Collection method: clinical testing. Allele origin: germline.
Comment: In summary, the available evidence is currently insufficient to determine the role of this variant in disease. Therefore, it has been classified as a Variant of Uncertain Significance. This sequence change replaces tyrosine with serine at codon 1169 of the NF1 protein (p.Tyr1169Ser). The tyrosine residue is moderately conserved and there is a large physicochemical difference between tyrosine and serine. This variant is not present in population databases (ExAC no frequency). This variant has not been reported in the literature in individuals with NF1-related conditions. Algorithms developed to predict the effect of missense changes on protein structure and function are either unavailable or do not agree on the potential impact of this missense change (SIFT: "Deleterious"; PolyPhen-2: "Probably Damaging"; Align-GVGD: "Class C0").

NM_001042492.3(NF1):c.3506A>C (p.Tyr1169Ser)

Gene: NF1 (neurofibromin 1; plus strand). Cytogenetic location: 17q11.2.
Variant type: single nucleotide variant.
Coding change: c.3506A>C on transcript NM_001042492.3 (MANE Select); coding-DNA position 3506, A replaced by C.
Protein change: p.Tyr1169Ser; replaces tyrosine 1169 with serine.
Molecular consequence: missense variant.
Genome position (GRCh38, 1-based): chr17:31,233,011, A>C. VCF-style: chr17-31233011-A-C. GRCh37 (hg19) VCF-style: chr17-29560029-A-C.
Other names: c.3506A>C, p.Tyr1169Ser (NM_000267.4); short protein forms Y1169S.
Identifiers: ClinVar variation 952935 (VCV000952935.6), dbSNP rs1555615014, ClinGen allele CA398989652.